The following is an entry in ClinVar:

ClinVar aggregate classification (germline): Uncertain significance (1 of 4 stars; one submission).

Submission:

Labcorp Genetics (formerly Invitae), Labcorp
Classification: Uncertain significance. Last evaluated: 2021-10-29. Review status: criteria provided, single submitter. Criteria: Invitae Variant Classification Sherloc (09022015). Collection method: clinical testing. Allele origin: germline.
Comment: This variant is not present in population databases (gnomAD no frequency). This variant has not been reported in the literature in individuals affected with APOA1-related conditions. Algorithms developed to predict the effect of missense changes on protein structure and function output the following: SIFT: "Not Available"; PolyPhen-2: "Benign"; Align-GVGD: "Not Available". The threonine amino acid residue is found in multiple mammalian species, which suggests that this missense change does not adversely affect protein function. In summary, the available evidence is currently insufficient to determine the role of this variant in disease. Therefore, it has been classified as a Variant of Uncertain Significance. This sequence change replaces serine, which is neutral and polar, with threonine, which is neutral and polar, at codon 82 of the APOA1 protein (p.Ser82Thr).

NM_000039.3(APOA1):c.245G>C (p.Ser82Thr)

Genes: APOA1 (apolipoprotein A1; minus strand), APOA1-AS (APOA1 antisense RNA; plus strand). Cytogenetic location: 11q23.3.
Variant type: single nucleotide variant.
Coding change: c.245G>C on transcript NM_000039.3 (MANE Select); coding-DNA position 245, G replaced by C.
Protein change: p.Ser82Thr; replaces serine 82 with threonine.
Molecular consequence: missense variant.
Genome position (GRCh38, 1-based): chr11:116,836,367, C>G on the plus strand (G>C on the coding strand, the complement: APOA1 is on the minus strand). VCF-style: chr11-116836367-C-G. GRCh37 (hg19) VCF-style: chr11-116707083-C-G.
Other names: c.245G>C, p.Ser82Thr (NM_001318017.2, NM_001318018.2); c.-83G>C (NM_001318021.2); short protein forms S82T.
Identifiers: ClinVar variation 1423374 (VCV001423374.6), dbSNP rs2134231528, ClinGen allele CA382717288.